The following is an entry in ClinVar:

ClinVar aggregate classification (germline): Uncertain significance (1 of 4 stars; one submission).

gnomAD v4.1: 1 of 1,611,620 alleles (0.000062%); highest among the groups gnomAD compares: African/African-American, 0.0013%; no homozygotes.

Submission:

Ambry Genetics
Classification: Uncertain significance. Last evaluated: 2026-02-24. Review status: criteria provided, single submitter. Criteria: Ambry Variant Classification Scheme 2023. Collection method: clinical testing. Allele origin: germline.
Comment: The p.T1085P variant (also known as c.3253A>C), located in coding exon 12 of the WNK2 gene, results from an A to C substitution at nucleotide position 3253. The threonine at codon 1085 is replaced by proline, an amino acid with highly similar properties. This amino acid position is conserved. In addition, this alteration is predicted to be tolerated by in silico analysis. Based on the available evidence, the clinical significance of this variant remains unclear.

NM_006648.4(WNK2):c.3253A>C (p.Thr1085Pro)

Gene: WNK2 (WNK lysine deficient protein kinase 2; plus strand). Cytogenetic location: 9q22.31.
Variant type: single nucleotide variant.
Coding change: c.3253A>C on transcript NM_006648.4 (MANE Select); coding-DNA position 3253, A replaced by C.
Protein change: p.Thr1085Pro; replaces threonine 1085 with proline.
Molecular consequence: missense variant.
Genome position (GRCh38, 1-based): chr9:93,262,000, A>C. VCF-style: chr9-93262000-A-C. GRCh37 (hg19) VCF-style: chr9-96024282-A-C.
Other names: c.3253A>C, p.Thr1085Pro (NM_001282394.3); short protein forms T1085P.
Identifiers: ClinVar variation 4826214 (VCV004826214.1).